The following is an entry in ClinVar:

ClinVar aggregate classification (germline): Uncertain significance (1 of 4 stars; one submission).

Allele frequency attached by ClinVar (database versions not stated): gnomAD exomes below 0.00001.
gnomAD v4.1: 4 of 1,613,782 alleles (0.00025%); highest among the groups gnomAD compares: Non-Finnish European, 0.00034%; no homozygotes.

Submission:

Labcorp Genetics (formerly Invitae), Labcorp
Classification: Uncertain significance. Last evaluated: 2023-07-17. Review status: criteria provided, single submitter. Criteria: Invitae Variant Classification Sherloc (09022015). Collection method: clinical testing. Allele origin: germline.
Comment: ClinVar contains an entry for this variant (Variation ID: 1437731). This variant has not been reported in the literature in individuals affected with FAT4-related conditions. This variant is not present in population databases (gnomAD no frequency). This sequence change replaces proline, which is neutral and non-polar, with glutamine, which is neutral and polar, at codon 2817 of the FAT4 protein (p.Pro2817Gln). Advanced modeling of protein sequence and biophysical properties (such as structural, functional, and spatial information, amino acid conservation, physicochemical variation, residue mobility, and thermodynamic stability) performed at Invitae indicates that this missense variant is not expected to disrupt FAT4 protein function. In summary, the available evidence is currently insufficient to determine the role of this variant in disease. Therefore, it has been classified as a Variant of Uncertain Significance.

NM_001291303.3(FAT4):c.8456C>A (p.Pro2819Gln)

Gene: FAT4 (FAT atypical cadherin 4; plus strand). Cytogenetic location: 4q28.1.
Variant type: single nucleotide variant.
Coding change: c.8456C>A on transcript NM_001291303.3 (MANE Select); coding-DNA position 8456, C replaced by A.
Protein change: p.Pro2819Gln; replaces proline 2819 with glutamine.
Molecular consequence: missense variant.
Genome position (GRCh38, 1-based): chr4:125,449,466, C>A. VCF-style: chr4-125449466-C-A. GRCh37 (hg19) VCF-style: chr4-126370621-C-A.
Other names: c.8456C>A, p.Pro2819Gln (NM_001291285.3); c.8450C>A, p.Pro2817Gln (NM_024582.6); short protein forms P2819Q, P2817Q.
Identifiers: ClinVar variation 1437731 (VCV001437731.8), dbSNP rs1423578835, ClinGen allele CA358146209.
Genomic context (GRCh38, chr4:125,449,466, plus strand): 5'-CTGATGAAGACATTGGGATCAATGCAATTAGTAGATATTCTATAATGGATGCAAGTCTTC[C>A]ATTTACAATTAATCCCAGCACAGGGGATATTGTCATAAGCAGACCTTTAAATAGGGAAGA-3'
Protein context (NP_001278232.1, residues 2809-2829): SRYSIMDASL[Pro2819Gln]FTINPSTGDI